The following is an entry in ClinVar:

ClinVar aggregate classification (germline): Likely benign. Review status: criteria provided, multiple submitters, no conflicts (2 of 4 stars). 3 submissions from 3 submitters: Likely benign (3). Last evaluated 2024-03-02.

Allele frequency attached by ClinVar (database versions not stated): ExAC 0.00004; gnomAD exomes 0.00006; gnomAD 0.00009; ESP Exome Variant Server 0.00023.
gnomAD v4.1: 266 of 1,613,492 alleles (0.016%); highest among the groups gnomAD compares: Non-Finnish European, 0.022%; no homozygotes.

Submissions (3):

Labcorp Genetics (formerly Invitae), Labcorp
Classification: Likely benign. Last evaluated: 2024-03-02. Review status: criteria provided, single submitter. Criteria: Invitae Variant Classification Sherloc (09022015). Collection method: clinical testing. Allele origin: germline.

CeGaT Center for Human Genetics Tuebingen
Classification: Likely benign. Last evaluated: 2024-03-01. Review status: criteria provided, single submitter. Criteria: CeGaT Center For Human Genetics Tuebingen Variant Classification Criteria Version 2. Collection method: clinical testing. Allele origin: germline. Affected: yes. Observed: 1 variant allele.
Comment: AUTS2: BP4, BP7

GeneDx
Classification: Likely benign. Last evaluated: 2021-06-15. Review status: criteria provided, single submitter. Criteria: GeneDx Variant Classification Process June 2021. Collection method: clinical testing. Allele origin: germline. Affected: yes.

NM_015570.4(AUTS2):c.3516C>G (p.Pro1172=)

Gene: AUTS2 (activator of transcription and developmental regulator AUTS2; plus strand). Cytogenetic location: 7q11.22.
Variant type: single nucleotide variant.
Coding change: c.3516C>G on transcript NM_015570.4 (MANE Select); coding-DNA position 3516, C replaced by G.
Protein change: p.Pro1172=; no amino-acid change (proline 1172 retained).
Molecular consequence: synonymous variant.
Genome position (GRCh38, 1-based): chr7:70,790,732, C>G. VCF-style: chr7-70790732-C-G. GRCh37 (hg19) VCF-style: chr7-70255718-C-G.
Other names: c.3444C>G, p.Pro1148= (NM_001127231.3).
Identifiers: ClinVar variation 1328792 (VCV001328792.27), dbSNP rs143232502, ClinGen allele CA4281361.